The following is an entry in ClinVar:

NM_013275.6(ANKRD11):c.2168A>C (p.Asp723Ala)

Gene: ANKRD11 (ankyrin repeat domain 11; minus strand). Cytogenetic location: 16q24.3.
Variant type: single nucleotide variant.
Coding change: c.2168A>C on transcript NM_013275.6 (MANE Select); coding-DNA position 2168, A replaced by C.
Protein change: p.Asp723Ala; replaces aspartic acid 723 with alanine.
Molecular consequence: missense variant.
Genome position (GRCh38, 1-based): chr16:89,284,374, T>G on the plus strand (A>C on the coding strand, the complement: ANKRD11 is on the minus strand). VCF-style: chr16-89284374-T-G. GRCh37 (hg19) VCF-style: chr16-89350782-T-G.
Other names: c.2168A>C, p.Asp723Ala (NM_001256182.2, NM_001256183.2); short protein forms D723A.
Identifiers: ClinVar variation 2709536 (VCV002709536.3), dbSNP rs1349938982, ClinGen allele CA397163032.

ClinVar aggregate classification (germline): Uncertain significance (1 of 4 stars; one submission).

Conditions:
KBG syndrome (KBGS). Also called: ANKRD11-Related KBG Syndrome. Identifiers: Orphanet 2332, MedGen C0220687, MONDO:0007846, OMIM 148050.

Submission:

Labcorp Genetics (formerly Invitae), Labcorp
Classification: Uncertain significance for KBG syndrome. Last evaluated: 2023-06-29. Review status: criteria provided, single submitter. Criteria: Invitae Variant Classification Sherloc (09022015). Collection method: clinical testing. Allele origin: germline.
Comment: Advanced modeling of protein sequence and biophysical properties (such as structural, functional, and spatial information, amino acid conservation, physicochemical variation, residue mobility, and thermodynamic stability) performed at Invitae indicates that this missense variant is not expected to disrupt ANKRD11 protein function. In summary, the available evidence is currently insufficient to determine the role of this variant in disease. Therefore, it has been classified as a Variant of Uncertain Significance. This sequence change replaces aspartic acid, which is acidic and polar, with alanine, which is neutral and non-polar, at codon 723 of the ANKRD11 protein (p.Asp723Ala). This variant is not present in population databases (gnomAD no frequency). This variant has not been reported in the literature in individuals affected with ANKRD11-related conditions.